The following is an entry in ClinVar:

NM_152618.3(BBS12):c.1949del (p.Asn649_Ser650insTer)

Gene: BBS12 (Bardet-Biedl syndrome 12; plus strand). Cytogenetic location: 4q27.
Variant type: Deletion.
Coding change: c.1949del on transcript NM_152618.3 (MANE Select); coding-DNA position 1949, one base deleted (C; older notation c.1949delC).
Protein change: p.Asn649_Ser650insTer.
Molecular consequence: nonsense.
Genome position (GRCh38, 1-based): chr4:122,743,841, C deleted. VCF-style (leftmost placement, unchanged base first): chr4-122743840-TC-T. GRCh37 (hg19) VCF-style: chr4-123664995-TC-T.
Other names: c.1949del, p.Asn649_Ser650insTer (NM_001178007.2); c.1949delC (NM_152618.2).
Identifiers: ClinVar variation 552893 (VCV000552893.10), dbSNP rs1444062882, ClinGen allele CA554527002.
Genomic context (GRCh38, chr4:122,743,840, plus strand): 5'-GGCTCTCCTTCATCTTACATCTTGAATGAATATAGTAAACTAAATAGTAGAATTTTTAAT[TC>T]AGACATTTCAAATAAACTGGAGCAGATTCCGAGAGTTTATGACGTTGTTACACCAAAGAT-3'

ClinVar aggregate classification (germline): Pathogenic/Likely pathogenic. Review status: criteria provided, multiple submitters, no conflicts (2 of 4 stars). 4 submissions from 4 submitters: Pathogenic (1); Likely pathogenic (1). 2 of the submissions do not count toward it. Last evaluated 2025-11-20.

Conditions:
BBS12-related disorder. Also called: BBS12-related condition.
Bardet-Biedl syndrome 12 (BBS12). Identifiers: Orphanet 110, MedGen C1859570, MONDO:0014440, OMIM 615989.
Bardet-Biedl syndrome (BBS). Identifiers: Orphanet 110, MedGen C0752166, MONDO:0015229.

Allele frequency attached by ClinVar (database versions not stated): gnomAD exomes below 0.00001 and 0.00001; TOPMed below 0.00001.

Submissions (4):

Natera, Inc.
Classification: Likely pathogenic for Bardet-Biedl syndrome type 12. Last evaluated: 2025-11-20. Review status: criteria provided, single submitter. Criteria: Natera Variant Classification Schema (03/2026). Collection method: clinical testing. Allele origin: germline.
Comment: The c.1949delC variant in BBS12 is a frameshift variant predicted to shift the reading frame and introduce a stop codon. This variant is expected to result in nonsense mediated decay, truncation, or a dysfunctional protein product. This variant is rare in the general population with a frequency below the threshold expected for the associated phenotype(s). Given the available evidence, this variant is classified as Likely Pathogenic.

Labcorp Genetics (formerly Invitae), Labcorp
Classification: Pathogenic for Bardet-Biedl syndrome. Last evaluated: 2020-06-25. Review status: criteria provided, single submitter. Criteria: Invitae Variant Classification Sherloc (09022015). Collection method: clinical testing. Allele origin: germline.
Comment: For these reasons, this variant has been classified as Pathogenic. This variant disrupts the C-terminus of the BBS12 protein. Other variant(s) that disrupt this region (p.Arg675*) have been determined to be pathogenic (PMID: 20827784, 21642631). This suggests that variants that disrupt this region of the protein are likely to be causative of disease. This variant has not been reported in the literature in individuals with BBS12-related conditions. ClinVar contains an entry for this variant (Variation ID: 552893). This variant is not present in population databases (ExAC no frequency). This sequence change results in a premature translational stop signal in the BBS12 gene (p.Ser650*). While this is not anticipated to result in nonsense mediated decay, it is expected to disrupt the last 61 amino acids of the BBS12 protein.

PreventionGenetics, part of Exact Sciences
Classification: Likely pathogenic for BBS12-related condition. Last evaluated: 2024-08-22. Review status: no assertion criteria provided. Collection method: clinical testing. Allele origin: germline. Not counted in ClinVar's aggregate classification.
Comment: The BBS12 c.1949delC variant is predicted to result in premature protein termination (p.Ser650*). To our knowledge, this variant has not been reported in the literature. This variant is reported in 0.00090% of alleles in individuals of European (Non-Finnish) descent in gnomAD. Nonsense variants in BBS12 are expected to be pathogenic. This variant is interpreted as likely pathogenic.

Counsyl
Classification: Likely pathogenic for Bardet-Biedl syndrome 12. Last evaluated: 2017-07-17. Review status: no assertion criteria provided. Collection method: clinical testing. Allele origin: unknown. Not counted in ClinVar's aggregate classification.

Literature cited by the submitters: PubMed 20827784 (cited by Labcorp Genetics (formerly Invitae), Labcorp); PubMed 21642631 (cited by Labcorp Genetics (formerly Invitae), Labcorp).